The following is an entry in ClinVar:

ClinVar aggregate classification (germline): Uncertain significance (1 of 4 stars; one submission).

Conditions:
Parathyroid carcinoma (PRTC). Also called: CDC73-Related Parathyroid Carcinoma; Parathyroid gland carcinoma. Identifiers: Orphanet 143, MedGen C0687150, MONDO:0012004, OMIM 608266, HP:0006780.

Allele frequency attached by ClinVar (database versions not stated): gnomAD exomes below 0.00001.
gnomAD v4.1: 2 of 1,611,612 alleles (0.00012%); highest among the groups gnomAD compares: East Asian, 0.0022%; no homozygotes.

Submission:

Labcorp Genetics (formerly Invitae), Labcorp
Classification: Uncertain significance for Parathyroid carcinoma. Last evaluated: 2018-03-03. Review status: criteria provided, single submitter. Criteria: Invitae Variant Classification Sherloc (09022015). Collection method: clinical testing. Allele origin: germline.
Comment: In summary, the available evidence is currently insufficient to determine the role of this variant in disease. Therefore, it has been classified as a Variant of Uncertain Significance. Algorithms developed to predict the effect of missense changes on protein structure and function (SIFT, PolyPhen-2, Align-GVGD) all suggest that this variant is likely to be tolerated, but these predictions have not been confirmed by published functional studies and their clinical significance is uncertain. This variant has not been reported in the literature in individuals with CDC73-related disease. This variant is not present in population databases (ExAC no frequency). This sequence change replaces threonine with alanine at codon 495 of the CDC73 protein (p.Thr495Ala). The threonine residue is moderately conserved and there is a small physicochemical difference between threonine and alanine.

NM_024529.5(CDC73):c.1483A>G (p.Thr495Ala)

Gene: CDC73 (cell division cycle 73; plus strand). Cytogenetic location: 1q31.2.
Variant type: single nucleotide variant.
Coding change: c.1483A>G on transcript NM_024529.5 (MANE Select); coding-DNA position 1483, A replaced by G.
Protein change: p.Thr495Ala; replaces threonine 495 with alanine.
Molecular consequence: missense variant.
Genome position (GRCh38, 1-based): chr1:193,249,795, A>G. VCF-style: chr1-193249795-A-G. GRCh37 (hg19) VCF-style: chr1-193218925-A-G.
Other names: short protein forms T495A.
Identifiers: ClinVar variation 568312 (VCV000568312.9), dbSNP rs1558326136, ClinGen allele CA344078484.